The following is an entry in ClinVar:

ClinVar aggregate classification (germline): Likely pathogenic (1 of 4 stars; one submission).

Conditions:
Mucopolysaccharidosis, MPS-IV-B (MPS4B). Also called: MORQUIO SYNDROME B; Mucopolysaccharidosis type IV B; Mucopolysaccharidosis Type IVB; Mucopolysaccharidosis type 4B; Mucopolysaccharidosis Type IVB (Morquio B Disease); Mucopolysaccharidosis type IVB (Morquio). Identifiers: Orphanet 309310, Orphanet 582, MedGen C0086652, MONDO:0009660, OMIM 253010.
GM1 gangliosidosis. Identifiers: Orphanet 354, MedGen C0085131, MONDO:0018149.

Submission:

Labcorp Genetics (formerly Invitae), Labcorp
Classification: Likely pathogenic for Mucopolysaccharidosis, MPS-IV-B; GM1 gangliosidosis. Last evaluated: 2024-02-09. Review status: criteria provided, single submitter. Criteria: Invitae Variant Classification Sherloc (09022015). Collection method: clinical testing. Allele origin: germline.
Comment: This sequence change replaces tyrosine, which is neutral and polar, with cysteine, which is neutral and slightly polar, at codon 174 of the GLB1 protein (p.Tyr174Cys). This variant is not present in population databases (gnomAD no frequency). This variant has not been reported in the literature in individuals affected with GLB1-related conditions. Advanced modeling of protein sequence and biophysical properties (such as structural, functional, and spatial information, amino acid conservation, physicochemical variation, residue mobility, and thermodynamic stability) performed at Invitae indicates that this missense variant is expected to disrupt GLB1 protein function with a positive predictive value of 95%. This variant disrupts the p.Tyr174 amino acid residue in GLB1. Other variant(s) that disrupt this residue have been determined to be pathogenic (PMID: 25443580, 29451896). This suggests that this residue is clinically significant, and that variants that disrupt this residue are likely to be disease-causing. In summary, the currently available evidence indicates that the variant is pathogenic, but additional data are needed to prove that conclusively. Therefore, this variant has been classified as Likely Pathogenic.

Literature cited by the submitters: PubMed 25443580; PubMed 29451896.

NM_000404.4(GLB1):c.521A>G (p.Tyr174Cys)

Gene: GLB1 (galactosidase beta 1; minus strand). Cytogenetic location: 3p22.3.
Variant type: single nucleotide variant.
Coding change: c.521A>G on transcript NM_000404.4 (MANE Select); coding-DNA position 521, A replaced by G.
Protein change: p.Tyr174Cys; replaces tyrosine 174 with cysteine.
Molecular consequence: missense variant. On other transcripts: synonymous variant (1).
Genome position (GRCh38, 1-based): chr3:33,065,494, T>C on the plus strand (A>G on the coding strand, the complement: GLB1 is on the minus strand). VCF-style: chr3-33065494-T-C. GRCh37 (hg19) VCF-style: chr3-33106986-T-C.
Other names: c.431A>G, p.Tyr144Cys (NM_001079811.3); c.309A>G, p.Leu103= (NM_001135602.3); c.665A>G, p.Tyr222Cys (NM_001317040.2); c.521A>G, p.Tyr174Cys (NM_001393580.1); short protein forms Y144C, Y174C, Y222C.
Identifiers: ClinVar variation 3762067 (VCV003762067.2).
Genomic context (GRCh38, chr3:33,065,494, plus strand): 5'-AATCCATCCATGCTCAACTCCAGGGTTACCTGCACTGTTATAACTGGCCCTCCATTCTGA[T>C]AGAGGAGAGGCTTCATCTTGGGCAGAAGGACTCCCAACCACTTGTCCACAGCTGCCAGGT-3'
Protein context (NP_000395.3, residues 164-184): VLLPKMKPLL[Tyr174Cys]QNGGPVITVQ